The following is an entry in ClinVar:

ClinVar aggregate classification (germline): Likely benign (1 of 4 stars; one submission).

Submission:

CeGaT Center for Human Genetics Tuebingen
Classification: Likely benign. Last evaluated: 2022-12-01. Review status: criteria provided, single submitter. Criteria: CeGaT Center For Human Genetics Tuebingen Variant Classification Criteria Version 2. Collection method: clinical testing. Allele origin: germline. Affected: yes. Observed: 1 variant allele.
Comment: OR2W3: PM2:Supporting, BP4, BP7

NM_001001957.2(OR2W3):c.123C>G (p.Gly41=)

Gene: OR2W3 (olfactory receptor family 2 subfamily W member 3; plus strand). Cytogenetic location: 1q44.
Variant type: single nucleotide variant.
Coding change: c.123C>G on transcript NM_001001957.2 (MANE Select); coding-DNA position 123, C replaced by G.
Protein change: p.Gly41=; no amino-acid change (glycine 41 retained).
Molecular consequence: synonymous variant.
Genome position (GRCh38, 1-based): chr1:247,895,709, C>G. VCF-style: chr1-247895709-C-G. GRCh37 (hg19) VCF-style: chr1-248059011-C-G.
Identifiers: ClinVar variation 2640244 (VCV002640244.24), dbSNP rs2527687159, ClinGen allele CA424738320.